The following is an entry in ClinVar:

NM_001032382.2(PQBP1):c.277A>C (p.Arg93=)

Gene: PQBP1 (polyglutamine binding protein 1; plus strand). Cytogenetic location: Xp11.23.
Variant type: single nucleotide variant.
Coding change: c.277A>C on transcript NM_001032382.2 (MANE Select); coding-DNA position 277, A replaced by C.
Protein change: p.Arg93=; no amino-acid change (arginine 93 retained).
Molecular consequence: synonymous variant. On other transcripts: intron variant (1).
Genome position (GRCh38, 1-based): chrX:48,902,027, A>C. VCF-style: chrX-48902027-A-C. GRCh37 (hg19) VCF-style: chrX-48759304-A-C.
Other names: c.277A>C, p.Arg93= (NM_001032381.2, NM_001032383.2, NM_001032384.1 and 3 more transcripts); c.253A>C, p.Arg85= (NM_001167990.2); c.201+76A>C (NM_001167992.1).
Identifiers: ClinVar variation 3388617 (VCV003388617.14).

ClinVar aggregate classification (germline): Likely benign (1 of 4 stars; one submission).

Submission:

CeGaT Center for Human Genetics Tuebingen
Classification: Likely benign. Last evaluated: 2024-11-01. Review status: criteria provided, single submitter. Criteria: CeGaT Center For Human Genetics Tuebingen Variant Classification Criteria Version 2. Collection method: clinical testing. Allele origin: germline. Affected: yes. Observed: 1 variant allele.
Comment: PQBP1: BP4